The following is an entry in ClinVar:

NM_000642.3(AGL):c.1096G>A (p.Ala366Thr)

Gene: AGL (amylo-alpha-1,6-glucosidase and 4-alpha-glucanotransferase; plus strand). Cytogenetic location: 1p21.2.
Variant type: single nucleotide variant.
Coding change: c.1096G>A on transcript NM_000642.3 (MANE Select); coding-DNA position 1096, G replaced by A.
Protein change: p.Ala366Thr; replaces alanine 366 with threonine.
Molecular consequence: missense variant.
Genome position (GRCh38, 1-based): chr1:99,875,167, G>A. VCF-style: chr1-99875167-G-A. GRCh37 (hg19) VCF-style: chr1-100340723-G-A.
Other names: c.1096G>A, p.Ala366Thr (NM_000028.3, NM_000643.3, NM_000644.3 and 2 more transcripts); c.1048G>A, p.Ala350Thr (NM_000646.3); c.892G>A, p.Ala298Thr (NM_001425328.1, NM_001425329.1); c.718G>A, p.Ala240Thr (NM_001425332.1); short protein forms A350T, A366T, A240T, A298T.
Identifiers: ClinVar variation 2089779 (VCV002089779.2), dbSNP rs753659820, ClinGen allele CA966396.
Genomic context (GRCh38, chr1:99,875,167, plus strand): 5'-CTGTAAAGCCATTAAATATTATATCTGCATTTCTCCATCTGCTCTAGCAAGGGGCCAGCA[G>A]CAATTGAAGAATGCTGTAATTGGTTTCATAAAAGAATGGAGGAATTAAATTCAGAGAAGC-3'
Protein context (NP_000633.2, residues 356-376): TFIPHDKGPA[Ala366Thr]IEECCNWFHK

ClinVar aggregate classification (germline): Uncertain significance (1 of 4 stars; one submission).

Conditions:
Glycogen storage disease type III (GSD3). Also called: Cori disease; FORBES DISEASE. Identifiers: Orphanet 366, MedGen C0017922, MONDO:0009291, OMIM 232400.

Allele frequency attached by ClinVar (database versions not stated): ExAC 0.00001; TOPMed 0.00001; gnomAD exomes 0.00002.
gnomAD v4.1: 29 of 1,613,996 alleles (0.0018%); highest among the groups gnomAD compares: Admixed American, 0.0067%; no homozygotes.

Submission:

Labcorp Genetics (formerly Invitae), Labcorp
Classification: Uncertain significance for Glycogen storage disease type III. Last evaluated: 2025-08-18. Review status: criteria provided, single submitter. Criteria: Invitae Variant Classification Sherloc (09022015). Collection method: clinical testing. Allele origin: germline.
Comment: This sequence change replaces alanine, which is neutral and non-polar, with threonine, which is neutral and polar, at codon 366 of the AGL protein (p.Ala366Thr). This variant is present in population databases (rs753659820, gnomAD 0.003%). This variant has not been reported in the literature in individuals affected with AGL-related conditions. ClinVar contains an entry for this variant (Variation ID: 2089779). Invitae Evidence Modeling of protein sequence and biophysical properties (such as structural, functional, and spatial information, amino acid conservation, physicochemical variation, residue mobility, and thermodynamic stability) indicates that this missense variant is not expected to disrupt AGL protein function with a negative predictive value of 80%. In summary, the available evidence is currently insufficient to determine the role of this variant in disease. Therefore, it has been classified as a Variant of Uncertain Significance.